The following is an entry in ClinVar:

ClinVar aggregate classification (germline): Likely benign. Review status: criteria provided, multiple submitters, no conflicts (2 of 4 stars). 2 submissions from 2 submitters: Likely benign (2). Last evaluated 2026-09-01.

Conditions:
Wilson disease (WND). Also called: Wilson's disease. Identifiers: Orphanet 905, MedGen C0019202, MONDO:0010200, OMIM 277900. Disease mechanism: loss of function.

Submissions (2):

CeGaT Center for Human Genetics Tuebingen
Classification: Likely benign. Last evaluated: 2026-09-01. Review status: criteria provided, single submitter. Criteria: CeGaT Center For Human Genetics Tuebingen Variant Classification Criteria Version 2. Collection method: clinical testing. Allele origin: germline. Affected: yes. Observed: 1 variant allele.
Comment: ATP7B: PM2:Supporting, BP4, BP7

Labcorp Genetics (formerly Invitae), Labcorp
Classification: Likely benign for Wilson disease. Last evaluated: 2023-11-16. Review status: criteria provided, single submitter. Criteria: Invitae Variant Classification Sherloc (09022015). Collection method: clinical testing. Allele origin: germline.

NM_000053.4(ATP7B):c.441C>T (p.Leu147=)

Gene: ATP7B (ATPase copper transporting beta; minus strand). Cytogenetic location: 13q14.3.
Variant type: single nucleotide variant.
Coding change: c.441C>T on transcript NM_000053.4 (MANE Select); coding-DNA position 441, C replaced by T.
Protein change: p.Leu147=; no amino-acid change (leucine 147 retained).
Molecular consequence: synonymous variant.
Genome position (GRCh38, 1-based): chr13:51,974,779, G>A on the plus strand (C>T on the coding strand, the complement: ATP7B is on the minus strand). VCF-style: chr13-51974779-G-A. GRCh37 (hg19) VCF-style: chr13-52548915-G-A.
Other names: c.441C>T, p.Leu147= (NM_001005918.3, NM_001243182.2, NM_001330578.2 and 30 more transcripts); c.345C>T, p.Leu115= (NM_001406517.1, NM_001406518.1, NM_001406530.1 and 4 more transcripts).
Identifiers: ClinVar variation 2180222 (VCV002180222.5), dbSNP rs775175844, ClinGen allele CA484024972.